The following is an entry in ClinVar:

NM_203447.4(DOCK8):c.2630C>G (p.Pro877Arg)

Gene: DOCK8 (dedicator of cytokinesis 8; plus strand). Cytogenetic location: 9p24.3.
Variant type: single nucleotide variant.
Coding change: c.2630C>G on transcript NM_203447.4 (MANE Select); coding-DNA position 2630, C replaced by G.
Protein change: p.Pro877Arg; replaces proline 877 with arginine.
Molecular consequence: missense variant.
Genome position (GRCh38, 1-based): chr9:382,537, C>G. VCF-style: chr9-382537-C-G. GRCh37 (hg19) VCF-style: chr9-382537-C-G.
Other names: c.2426C>G, p.Pro809Arg (NM_001190458.2, NM_001193536.2); short protein forms P809R, P877R.
Identifiers: ClinVar variation 652158 (VCV000652158.9), dbSNP rs553831804, ClinGen allele CA4958269.

ClinVar aggregate classification (germline): Uncertain significance (1 of 4 stars; one submission).

Conditions:
Combined immunodeficiency due to DOCK8 deficiency (HIES2). Also called: HYPER-IgE RECURRENT INFECTION SYNDROME 2, AUTOSOMAL RECESSIVE; HYPER-IgE SYNDROME 2, AUTOSOMAL RECESSIVE, WITH RECURRENT INFECTIONS; HIES autosomal recessive; Hyper-IgE recurrent infection syndrome, autosomal recessive; DOCK8 Deficiency. Identifiers: Orphanet 217390, MedGen C4722305, MONDO:0009478, OMIM 243700.

Allele frequency attached by ClinVar (database versions not stated): TOPMed below 0.00001; 1000 Genomes Project 30x 0.00031.
gnomAD v4.1: 2 of 1,613,956 alleles (0.00012%); highest among the groups gnomAD compares: East Asian, 0.0045%; no homozygotes.

Submission:

Labcorp Genetics (formerly Invitae), Labcorp
Classification: Uncertain significance for Combined immunodeficiency due to DOCK8 deficiency. Last evaluated: 2020-05-27. Review status: criteria provided, single submitter. Criteria: Invitae Variant Classification Sherloc (09022015). Collection method: clinical testing. Allele origin: germline.
Comment: This sequence change replaces proline with arginine at codon 877 of the DOCK8 protein (p.Pro877Arg). The proline residue is moderately conserved and there is a moderate physicochemical difference between proline and arginine. In summary, the available evidence is currently insufficient to determine the role of this variant in disease. Therefore, it has been classified as a Variant of Uncertain Significance. Algorithms developed to predict the effect of missense changes on protein structure and function (SIFT, PolyPhen-2, Align-GVGD) all suggest that this variant is likely to be tolerated, but these predictions have not been confirmed by published functional studies and their clinical significance is uncertain. This variant has not been reported in the literature in individuals with DOCK8-related disease. This variant is present in population databases (rs553831804, ExAC 0.01%).